The following is an entry in ClinVar:

NM_016507.4(CDK12):c.1235C>T (p.Ala412Val)

Gene: CDK12 (cyclin dependent kinase 12; plus strand). Cytogenetic location: 17q12.
Variant type: single nucleotide variant.
Coding change: c.1235C>T on transcript NM_016507.4 (MANE Select); coding-DNA position 1235, C replaced by T.
Protein change: p.Ala412Val; replaces alanine 412 with valine.
Molecular consequence: missense variant.
Genome position (GRCh38, 1-based): chr17:39,471,067, C>T. VCF-style: chr17-39471067-C-T. GRCh37 (hg19) VCF-style: chr17-37627320-C-T.
Other names: c.1235C>T, p.Ala412Val (NM_015083.4); short protein forms A412V.
Identifiers: ClinVar variation 4868583 (VCV004868583.1).
Genomic context (GRCh38, chr17:39,471,067, plus strand): 5'-ATTCCAGTCTGGGAGCTGAACTCAGTAGGAAAAAGAAGGAAAGAGCAGCTGCTGCTGCTG[C>T]AGCAAAGATGGATGGAAAGGAGTCCAAGGGTTCACCTGTATTTTTGCCTAGAAAAGAGAA-3'
Protein context (NP_057591.2, residues 402-422): KKKERAAAAA[Ala412Val]AKMDGKESKG

ClinVar aggregate classification (germline): Uncertain significance (1 of 4 stars; one submission).

gnomAD v4.1: 6 of 1,613,328 alleles (0.00037%); highest among the groups gnomAD compares: Admixed American, 0.0017%; no homozygotes.

Submission:

Ambry Genetics
Classification: Uncertain significance. Last evaluated: 2026-06-09. Review status: criteria provided, single submitter. Criteria: Ambry Variant Classification Scheme 2023. Collection method: clinical testing. Allele origin: germline.
Comment: The p.A412V variant (also known as c.1235C>T), located in coding exon 2 of the CDK12 gene, results from a C to T substitution at nucleotide position 1235. The alanine at codon 412 is replaced by valine, an amino acid with similar properties. This amino acid position is conserved. In addition, this alteration is predicted to be tolerated by in silico analysis. Based on the available evidence, the clinical significance of this variant remains unclear.